The following is an entry in ClinVar:

ClinVar aggregate classification (germline): Uncertain significance (1 of 4 stars; one submission).

Conditions:
Seizures, benign familial infantile, 3 (BFIS3). Also called: Familial neonatal seizures; CONVULSIONS, BENIGN FAMILIAL INFANTILE, 3. Identifiers: Orphanet 140927, Orphanet 306, MedGen C1843140, MONDO:0011904, OMIM 607745.
Developmental and epileptic encephalopathy, 11 (DEE11). Also called: Early infantile epileptic encephalopathy 11. Identifiers: Orphanet 1934, MedGen C3150987, MONDO:0013388, OMIM 613721.

Submission:

Labcorp Genetics (formerly Invitae), Labcorp
Classification: Uncertain significance for Seizures, benign familial infantile, 3; Developmental and epileptic encephalopathy, 11. Last evaluated: 2022-08-23. Review status: criteria provided, single submitter. Criteria: Invitae Variant Classification Sherloc (09022015). Collection method: clinical testing. Allele origin: germline.
Comment: This sequence change replaces serine, which is neutral and polar, with asparagine, which is neutral and polar, at codon 832 of the SCN2A protein (p.Ser832Asn). This variant is not present in population databases (gnomAD no frequency). This variant has not been reported in the literature in individuals affected with SCN2A-related conditions. ClinVar contains an entry for this variant (Variation ID: 1396180). Algorithms developed to predict the effect of missense changes on protein structure and function are either unavailable or do not agree on the potential impact of this missense change (SIFT: "Deleterious"; PolyPhen-2: "Possibly Damaging"; Align-GVGD: "Class C0"). In summary, the available evidence is currently insufficient to determine the role of this variant in disease. Therefore, it has been classified as a Variant of Uncertain Significance.

NM_001040142.2(SCN2A):c.2495G>A (p.Ser832Asn)

Gene: SCN2A (sodium voltage-gated channel alpha subunit 2; plus strand). Cytogenetic location: 2q24.3.
Variant type: single nucleotide variant.
Coding change: c.2495G>A on transcript NM_001040142.2 (MANE Select); coding-DNA position 2495, G replaced by A.
Protein change: p.Ser832Asn; replaces serine 832 with asparagine.
Molecular consequence: missense variant.
Genome position (GRCh38, 1-based): chr2:165,342,402, G>A. VCF-style: chr2-165342402-G-A. GRCh37 (hg19) VCF-style: chr2-166198912-G-A.
Other names: c.2495G>A, p.Ser832Asn (NM_001040143.2, NM_001371246.1, NM_001371247.1 and 1 more transcripts); short protein forms S832N.
Identifiers: ClinVar variation 1396180 (VCV001396180.6), dbSNP rs2105314862, ClinGen allele CA349012726.
Genomic context (GRCh38, chr2:165,342,402, plus strand): 5'-CCATGGATCCATATTATTACTTTCAAGAAGGCTGGAATATTTTTGATGGTTTTATTGTGA[G>A]CCTTAGTTTAATGGAACTTGGTTTGGCAAATGTGGAAGGATTGTCAGTTCTCCGATCATT-3'
Protein context (NP_001035232.1, residues 822-842): GWNIFDGFIV[Ser832Asn]LSLMELGLAN